The following is an entry in ClinVar:

NM_004301.5(ACTL6A):c.106G>A (p.Asp36Asn)

Gene: ACTL6A (actin like 6A; plus strand). Cytogenetic location: 3q26.33.
Variant type: single nucleotide variant.
Coding change: c.106G>A on transcript NM_004301.5 (MANE Select); coding-DNA position 106, G replaced by A.
Protein change: p.Asp36Asn; replaces aspartic acid 36 with asparagine.
Molecular consequence: missense variant. On other transcripts: 5 prime UTR variant (2).
Genome position (GRCh38, 1-based): chr3:179,570,070, G>A. VCF-style: chr3-179570070-G-A. GRCh37 (hg19) VCF-style: chr3-179287858-G-A.
Other names: c.-21G>A (NM_177989.4, NM_178042.4); short protein forms D36N.
Identifiers: ClinVar variation 4055935 (VCV004055935.1).
Genomic context (GRCh38, chr3:179,570,070, plus strand): 5'-AAAAATGCCTTCTTGATGAAAGGTGAAACTTGTATGTCATGTTTCTGACTCTTACAGGTG[G>A]ATTTTCCTACAGCTATTGGTATGGTGGTAGAAAGAGATGACGGAAGCACATTAATGGAAA-3'
Protein context (NP_004292.1, residues 26-46): GYAGEDCPKV[Asp36Asn]FPTAIGMVVE

ClinVar aggregate classification (germline): Uncertain significance (1 of 4 stars; one submission).

Submission:

GeneDx
Classification: Uncertain significance. Last evaluated: 2025-01-02. Review status: criteria provided, single submitter. Criteria: GeneDx Variant Classification Process June 2021. Collection method: clinical testing. Allele origin: germline. Affected: yes.
Comment: Not observed at significant frequency in large population cohorts (gnomAD); In silico analysis supports that this missense variant has a deleterious effect on protein structure/function; Has not been previously published as pathogenic or benign to our knowledge